The following is an entry in ClinVar:

ClinVar aggregate classification (germline): Uncertain significance. Review status: criteria provided, single submitter (1 of 4 stars). 2 submissions from 2 submitters: Uncertain significance (1). 1 of the submissions does not count toward it. Last evaluated 2022-08-14.

Conditions:
Granulomatous disease, chronic, autosomal recessive, cytochrome b-negative. Also called: CGD DUE TO DEFICIENCY OF THE ALPHA SUBUNIT OF CYTOCHROME b; CGD, AUTOSOMAL RECESSIVE CYTOCHROME b-NEGATIVE; CYBA DEFICIENCY; GRANULOMATOUS DISEASE, CHRONIC, AUTOSOMAL RECESSIVE, 4; Chronic granulomatous disease, autosomal, due to deficiency of CYBA. Identifiers: Orphanet 379, MedGen C1856255, MONDO:0009308, OMIM 233690.
Chronic granulomatous disease. Identifiers: Orphanet 379, MedGen C0018203, MONDO:0018305.

Allele frequency attached by ClinVar (database versions not stated): gnomAD exomes below 0.00001; gnomAD 0.00003; TOPMed 0.00005.
gnomAD v4.1: 9 of 1,532,352 alleles (0.00059%); highest among the groups gnomAD compares: African/African-American, 0.0055%; no homozygotes.

Submissions (2):

Labcorp Genetics (formerly Invitae), Labcorp
Classification: Uncertain significance for Granulomatous disease, chronic, autosomal recessive, cytochrome b-negative. Last evaluated: 2022-08-14. Review status: criteria provided, single submitter. Criteria: Invitae Variant Classification Sherloc (09022015). Collection method: clinical testing. Allele origin: germline.
Comment: This sequence change falls in intron 5 of the CYBA gene. It does not directly change the encoded amino acid sequence of the CYBA protein. It affects a nucleotide within the consensus splice site. This variant is present in population databases (no rsID available, gnomAD 0.03%). This variant has not been reported in the literature in individuals affected with CYBA-related conditions. ClinVar contains an entry for this variant (Variation ID: 1021751). Variants that disrupt the consensus splice site are a relatively common cause of aberrant splicing (PMID: 17576681, 9536098). Algorithms developed to predict the effect of sequence changes on RNA splicing suggest that this variant is not likely to affect RNA splicing. In summary, the available evidence is currently insufficient to determine the role of this variant in disease. Therefore, it has been classified as a Variant of Uncertain Significance.

Natera, Inc.
Classification: Uncertain significance for Chronic granulomatous disease. Last evaluated: 2020-03-04. Review status: no assertion criteria provided. Collection method: clinical testing. Allele origin: germline. Not counted in ClinVar's aggregate classification.

Literature cited by the submitters: PubMed 17576681 (cited by Labcorp Genetics (formerly Invitae), Labcorp); PubMed 9536098 (cited by Labcorp Genetics (formerly Invitae), Labcorp).

NM_000101.4(CYBA):c.370-3C>T

Gene: CYBA (cytochrome b-245 alpha chain; minus strand). Cytogenetic location: 16q24.2.
Variant type: single nucleotide variant.
Coding change: c.370-3C>T on transcript NM_000101.4 (MANE Select); 3 bases into the intron before coding-DNA position 370, C replaced by T.
Molecular consequence: intron variant.
Genome position (GRCh38, 1-based): chr16:88,643,574, G>A on the plus strand (C>T on the coding strand, the complement: CYBA is on the minus strand). VCF-style: chr16-88643574-G-A. GRCh37 (hg19) VCF-style: chr16-88709982-G-A.
Identifiers: ClinVar variation 1021751 (VCV001021751.7), dbSNP rs1031784335, ClinGen allele CA286348484.
Genomic context (GRCh38, chr16:88,643,574, plus strand): 5'-GCGGCCGCTCCCGGGGCTTGGGCTCGATGGGCGTCCACTGCTCGCCACGCACAGCCGCCT[G>A]CGGGGCACTGAAGGGTTGAGCCGCGCCCCAGCGCCCGCCCTCCCTCCCTCCCTCCCTCCC-3'